The following is an entry in ClinVar:

ClinVar aggregate classification (germline): Uncertain significance. Review status: criteria provided, multiple submitters, no conflicts (2 of 4 stars). 4 submissions from 4 submitters: Uncertain significance (3). 1 of the submissions does not count toward it. Last evaluated 2025-06-04.

Conditions:
Fanconi anemia (FA). Also called: Fanconi's anemia. Identifiers: Orphanet 84, MedGen C0015625, MeSH D005199, MONDO:0019391.
Inborn genetic diseases. Identifiers: MedGen C0950123, MeSH D030342.
Fanconi anemia complementation group A (FANCA). Also called: FANCA-Related Fanconi Anemia; Fanconi anemia, group A. Identifiers: Orphanet 84, MedGen C3469521, MONDO:0009215, OMIM 227650.

Allele frequency attached by ClinVar (database versions not stated): gnomAD exomes 0.00001; gnomAD 0.00002; TOPMed 0.00003.
gnomAD v4.1: 7 of 1,557,384 alleles (0.00045%); highest among the groups gnomAD compares: Admixed American, 0.012%; no homozygotes.

Submissions (4):

Labcorp Genetics (formerly Invitae), Labcorp
Classification: Uncertain significance for Fanconi anemia. Last evaluated: 2025-06-04. Review status: criteria provided, single submitter. Criteria: Invitae Variant Classification Sherloc (09022015). Collection method: clinical testing. Allele origin: germline.
Comment: This sequence change replaces serine, which is neutral and polar, with proline, which is neutral and non-polar, at codon 1121 of the FANCA protein (p.Ser1121Pro). This variant is not present in population databases (gnomAD no frequency). This variant has not been reported in the literature in individuals affected with FANCA-related conditions. ClinVar contains an entry for this variant (Variation ID: 576563). Invitae Evidence Modeling of protein sequence and biophysical properties (such as structural, functional, and spatial information, amino acid conservation, physicochemical variation, residue mobility, and thermodynamic stability) indicates that this missense variant is not expected to disrupt FANCA protein function with a negative predictive value of 95%. In summary, the available evidence is currently insufficient to determine the role of this variant in disease. Therefore, it has been classified as a Variant of Uncertain Significance.

Ambry Genetics
Classification: Uncertain significance for Inborn genetic diseases. Last evaluated: 2024-11-28. Review status: criteria provided, single submitter. Criteria: Ambry Variant Classification Scheme 2023. Collection method: clinical testing. Allele origin: germline.
Comment: The p.S1121P variant (also known as c.3361T>C), located in coding exon 34 of the FANCA gene, results from a T to C substitution at nucleotide position 3361. The serine at codon 1121 is replaced by proline, an amino acid with similar properties. This amino acid position is conserved. In addition, the in silico prediction for this alteration is inconclusive. Based on the available evidence, the clinical significance of this variant remains unclear.

Fulgent Genetics
Classification: Uncertain significance for Fanconi anemia complementation group A. Last evaluated: 2022-03-05. Review status: criteria provided, single submitter. Criteria: ACMG Guidelines, 2015. Collection method: clinical testing. Allele origin: unknown.

Natera, Inc.
Classification: Uncertain significance for Fanconi anemia. Last evaluated: 2021-03-18. Review status: no assertion criteria provided. Collection method: clinical testing. Allele origin: germline. Not counted in ClinVar's aggregate classification.

NM_000135.4(FANCA):c.3361T>C (p.Ser1121Pro)

Gene: FANCA (FA complementation group A; minus strand). Cytogenetic location: 16q24.3.
Variant type: single nucleotide variant.
Coding change: c.3361T>C on transcript NM_000135.4 (MANE Select); coding-DNA position 3361, T replaced by C.
Protein change: p.Ser1121Pro; replaces serine 1121 with proline.
Molecular consequence: missense variant.
Genome position (GRCh38, 1-based): chr16:89,746,878, A>G on the plus strand (T>C on the coding strand, the complement: FANCA is on the minus strand). VCF-style: chr16-89746878-A-G. GRCh37 (hg19) VCF-style: chr16-89813286-A-G.
Other names: c.3361T>C (LRG_495t1); c.3361T>C, p.Ser1121Pro (NM_001286167.3); short protein forms S1121P.
Identifiers: ClinVar variation 576563 (VCV000576563.13), dbSNP rs977982480, ClinGen allele CA286624489.